The following is an entry in ClinVar:

NM_001042492.3(NF1):c.863del (p.Val288fs)

Gene: NF1 (neurofibromin 1; plus strand). Cytogenetic location: 17q11.2.
Variant type: Deletion.
Coding change: c.863del on transcript NM_001042492.3 (MANE Select); coding-DNA position 863, one base deleted (T; older notation c.863delT).
Protein change: p.Val288fs; shifts the reading frame from valine 288.
Molecular consequence: frameshift variant.
Genome position (GRCh38, 1-based): chr17:31,182,640, T deleted. VCF-style (leftmost placement, unchanged base first): chr17-31182639-GT-G. GRCh37 (hg19) VCF-style: chr17-29509657-GT-G.
Other names: c.863delT, p.Val288Glyfs (NM_000267.4); c.863del, p.Val288fs (NM_001128147.3); short protein forms V288fs.
Identifiers: ClinVar variation 2035971 (VCV002035971.4), dbSNP rs2544754204, ClinGen allele CA2580093229.

ClinVar aggregate classification (germline): Pathogenic (1 of 4 stars; one submission).

Conditions:
Neurofibromatosis, type 1 (NF1). Also called: VON RECKLINGHAUSEN DISEASE; NEUROFIBROMATOSIS, TYPE I, SOMATIC; Neurofibromatosis, type I; Peripheral type neurofibromatosis. Identifiers: Orphanet 636, MedGen C0027831, MONDO:0018975, OMIM 162200. Disease mechanism: loss of function.

Submission:

Labcorp Genetics (formerly Invitae), Labcorp
Classification: Pathogenic for Neurofibromatosis, type 1. Last evaluated: 2025-10-01. Review status: criteria provided, single submitter. Criteria: Invitae Variant Classification Sherloc (09022015). Collection method: clinical testing. Allele origin: germline.
Comment: This sequence change creates a premature translational stop signal (p.Val288Glyfs*7) in the NF1 gene. It is expected to result in an absent or disrupted protein product. Loss-of-function variants in NF1 are known to be pathogenic (PMID: 10712197, 23913538). This variant is not present in population databases (gnomAD no frequency). This variant has not been reported in the literature in individuals affected with NF1-related conditions. ClinVar contains an entry for this variant (Variation ID: 2035971). For these reasons, this variant has been classified as Pathogenic.

Literature cited by the submitters: PubMed 10712197; PubMed 23913538.